The following is an entry in ClinVar:

ClinVar aggregate classification (germline): Uncertain significance. Review status: criteria provided, multiple submitters, no conflicts (2 of 4 stars). 3 submissions from 3 submitters: Uncertain significance (3). Last evaluated 2024-03-29.

Conditions:
Myofibrillar myopathy 5. Also called: Filaminopathy (type); FILAMINOPATHY, AUTOSOMAL DOMINANT. Identifiers: Orphanet 171445, MedGen C1836050, MONDO:0012289, OMIM 609524.
Distal myopathy with posterior leg and anterior hand involvement. Also called: WILLIAMS DISTAL MYOPATHY. Identifiers: Orphanet 63273, MedGen C3279722, MONDO:0013550, OMIM 614065.
Hypertrophic cardiomyopathy 26. Also called: Cardiomyopathy, familial hypertrophic, 26. Identifiers: Orphanet 75249, MedGen C4310749, MONDO:0014883, OMIM 617047.
Dilated Cardiomyopathy, Dominant.
Cardiovascular phenotype. Identifiers: MedGen CN230736.

Allele frequency attached by ClinVar (database versions not stated): ExAC 0.00001; gnomAD 0.00001; gnomAD exomes 0.00001; 1000 Genomes Project 30x 0.00016; 1000 Genomes Project 0.00020.
gnomAD v4.1: 10 of 1,614,204 alleles (0.00062%); highest among the groups gnomAD compares: South Asian, 0.011%; no homozygotes.

Submissions (3):

Ambry Genetics
Classification: Uncertain significance for Cardiovascular phenotype. Last evaluated: 2024-03-29. Review status: criteria provided, single submitter. Criteria: Ambry Variant Classification Scheme 2023. Collection method: clinical testing. Allele origin: germline.
Comment: The p.C1680S variant (also known as c.5039G>C), located in coding exon 30 of the FLNC gene, results from a G to C substitution at nucleotide position 5039. The cysteine at codon 1680 is replaced by serine, an amino acid with dissimilar properties. This amino acid position is conserved. In addition, this alteration is predicted to be deleterious by in silico analysis. Based on the available evidence, the clinical significance of this alteration remains unclear.

Labcorp Genetics (formerly Invitae), Labcorp
Classification: Uncertain significance for Distal myopathy with posterior leg and anterior hand involvement; Myofibrillar myopathy 5; Hypertrophic cardiomyopathy 26. Last evaluated: 2023-11-17. Review status: criteria provided, single submitter. Criteria: Invitae Variant Classification Sherloc (09022015). Collection method: clinical testing. Allele origin: germline.
Comment: This sequence change replaces cysteine, which is neutral and slightly polar, with serine, which is neutral and polar, at codon 1680 of the FLNC protein (p.Cys1680Ser). This variant is present in population databases (rs552930634, gnomAD 0.003%). This variant has not been reported in the literature in individuals affected with FLNC-related conditions. ClinVar contains an entry for this variant (Variation ID: 1046555). Advanced modeling of protein sequence and biophysical properties (such as structural, functional, and spatial information, amino acid conservation, physicochemical variation, residue mobility, and thermodynamic stability) has been performed at Invitae for this missense variant, however the output from this modeling did not meet the statistical confidence thresholds required to predict the impact of this variant on FLNC protein function. In summary, the available evidence is currently insufficient to determine the role of this variant in disease. Therefore, it has been classified as a Variant of Uncertain Significance.

GeneDx
Classification: Uncertain significance. Last evaluated: 2023-04-17. Review status: criteria provided, single submitter. Criteria: GeneDx Variant Classification Process June 2021. Collection method: clinical testing. Allele origin: germline. Affected: yes.
Comment: Not observed at significant frequency in large population cohorts (gnomAD); In silico analysis supports that this missense variant has a deleterious effect on protein structure/function; Has not been previously published as pathogenic or benign to our knowledge

NM_001458.5(FLNC):c.5039G>C (p.Cys1680Ser)

Gene: FLNC (filamin C; plus strand). Cytogenetic location: 7q32.1.
Variant type: single nucleotide variant.
Coding change: c.5039G>C on transcript NM_001458.5 (MANE Select); coding-DNA position 5039, G replaced by C.
Protein change: p.Cys1680Ser; replaces cysteine 1680 with serine.
Molecular consequence: missense variant.
Genome position (GRCh38, 1-based): chr7:128,849,418, G>C. VCF-style: chr7-128849418-G-C. GRCh37 (hg19) VCF-style: chr7-128489472-G-C.
Other names: c.5039G>C, p.Cys1680Ser (NM_001127487.2); c.5039G>C (NM_001458.4); short protein forms C1680S.
Identifiers: ClinVar variation 1046555 (VCV001046555.9), dbSNP rs552930634, ClinGen allele CA4475547.